The following is an entry in ClinVar:

ClinVar aggregate classification (germline): Uncertain significance (1 of 4 stars; one submission).

Conditions:
Familial sleep-related hypermotor epilepsy. Also called: Autosomal Dominant Sleep-Related Hypermotor (Hyperkinetic) Epilepsy. Identifiers: Orphanet 98784, MedGen C3696898, MONDO:0000030.

Submission:

Labcorp Genetics (formerly Invitae), Labcorp
Classification: Uncertain significance. Last evaluated: 2022-02-01. Review status: criteria provided, single submitter. Criteria: Invitae Variant Classification Sherloc (09022015). Collection method: clinical testing. Allele origin: germline.
Comment: In summary, the available evidence is currently insufficient to determine the role of this variant in disease. Therefore, it has been classified as a Variant of Uncertain Significance. Algorithms developed to predict the effect of missense changes on protein structure and function are either unavailable or do not agree on the potential impact of this missense change (SIFT: "Tolerated"; PolyPhen-2: "Possibly Damaging"; Align-GVGD: "Class C0"). This variant has not been reported in the literature in individuals affected with CHRNA4-related conditions. This variant is not present in population databases (gnomAD no frequency). This sequence change replaces histidine, which is basic and polar, with arginine, which is basic and polar, at codon 145 of the CHRNA4 protein (p.His145Arg).

NM_000744.7(CHRNA4):c.434A>G (p.His145Arg)

Gene: CHRNA4 (cholinergic receptor nicotinic alpha 4 subunit; minus strand). Cytogenetic location: 20q13.33.
Variant type: single nucleotide variant.
Coding change: c.434A>G on transcript NM_000744.7 (MANE Select); coding-DNA position 434, A replaced by G.
Protein change: p.His145Arg; replaces histidine 145 with arginine.
Molecular consequence: missense variant. On other transcripts: 5 prime UTR variant (1), non-coding transcript variant (1).
Genome position (GRCh38, 1-based): chr20:63,350,977, T>C on the plus strand (A>G on the coding strand, the complement: CHRNA4 is on the minus strand). VCF-style: chr20-63350977-T-C. GRCh37 (hg19) VCF-style: chr20-61982329-T-C.
Other names: c.-95A>G (NM_001256573.2); short protein forms H145R.
Identifiers: ClinVar variation 1390269 (VCV001390269.8), dbSNP rs2123473347, ClinGen allele CA409638732.